The following is an entry in ClinVar:

NM_019066.5(MAGEL2):c.509_570delinsTC (p.Ala170_Ala190delinsVal)

Gene: MAGEL2 (MAGE family member L2; minus strand). Cytogenetic location: 15q11.2.
Variant type: Indel.
Coding change: c.509_570delinsTC on transcript NM_019066.5 (MANE Select); coding-DNA positions 509 to 570, the reference bases replaced by TC.
Protein change: p.Ala170_Ala190delinsVal.
Molecular consequence: inframe indel.
Genome position (GRCh38, 1-based): chr15:23,647,173-23,647,234, 62 bases replaced. GRCh37 (hg19): chr15:23,892,320-23,892,381.
Identifiers: ClinVar variation 4991046 (VCV004991046.1).

ClinVar aggregate classification (germline): Uncertain significance (1 of 4 stars; one submission).

Conditions:
MAGEL2-related disorder. Also called: MAGEL2-related condition.

Submission:

PreventionGenetics, part of Exact Sciences
Classification: Uncertain significance for MAGEL2-related condition. Last evaluated: 2026-04-14. Review status: criteria provided, single submitter. Criteria: ACMG Guidelines, 2015. Collection method: clinical testing. Allele origin: germline.
Comment: The MAGEL2 c.509_570delinsTC variant is predicted to result in an in-frame deletion and insertion. To our knowledge, this variant has not been reported in the literature or in a large population database (gnomAD), indicating this variant is rare. At this time, the clinical significance of this variant is uncertain due to the absence of conclusive functional and genetic evidence.